The following is an entry in ClinVar:

ClinVar aggregate classification (germline): Uncertain significance (1 of 4 stars; one submission).

Submission:

Ambry Genetics
Classification: Uncertain significance. Last evaluated: 2024-10-14. Review status: criteria provided, single submitter. Criteria: Ambry Variant Classification Scheme 2023. Collection method: clinical testing. Allele origin: germline.
Comment: The p.N1698K variant (also known as c.5094T>G), located in coding exon 16 of the POLQ gene, results from a T to G substitution at nucleotide position 5094. The asparagine at codon 1698 is replaced by lysine, an amino acid with similar properties. This amino acid position is conserved. In addition, this alteration is predicted to be tolerated by in silico analysis. Based on the available evidence, the clinical significance of this variant remains unclear.

NM_199420.4(POLQ):c.5094T>G (p.Asn1698Lys)

Gene: POLQ (DNA polymerase theta; minus strand). Cytogenetic location: 3q13.33.
Variant type: single nucleotide variant.
Coding change: c.5094T>G on transcript NM_199420.4 (MANE Select); coding-DNA position 5094, T replaced by G.
Protein change: p.Asn1698Lys; replaces asparagine 1698 with lysine.
Molecular consequence: missense variant.
Genome position (GRCh38, 1-based): chr3:121,487,837, A>C on the plus strand (T>G on the coding strand, the complement: POLQ is on the minus strand). VCF-style: chr3-121487837-A-C. GRCh37 (hg19) VCF-style: chr3-121206684-A-C.
Other names: short protein forms N1698K.
Identifiers: ClinVar variation 3422595 (VCV003422595.1).
Genomic context (GRCh38, chr3:121,487,837, plus strand): 5'-TGAGGTTTCATCATGATTGGCATTGTTTTCTAGCATCTCAATCTTGCTTTTTACTTCATT[A>C]TTAGAAGAAAATGAAATTCCCTGCACTTGTTTTGTCTCCAAGTTTGAAATAACTTCTTGT-3'
Protein context (NP_955452.3, residues 1688-1708): KQVQGISFSS[Asn1698Lys]NEVKSKIEML